The following is an entry in ClinVar:

NM_002691.4(POLD1):c.3256C>T (p.Arg1086Trp)

Gene: POLD1 (DNA polymerase delta 1, catalytic subunit; plus strand). Cytogenetic location: 19q13.33.
Variant type: single nucleotide variant.
Coding change: c.3256C>T on transcript NM_002691.4 (MANE Select); coding-DNA position 3256, C replaced by T.
Protein change: p.Arg1086Trp; replaces arginine 1086 with tryptophan.
Molecular consequence: missense variant. On other transcripts: non-coding transcript variant (1).
Genome position (GRCh38, 1-based): chr19:50,417,879, C>T. VCF-style: chr19-50417879-C-T. GRCh37 (hg19) VCF-style: chr19-50921136-C-T.
Other names: c.3256C>T, p.Arg1086Trp (NM_001256849.1); c.3334C>T, p.Arg1112Trp (NM_001308632.1); c.3256C>T (NM_002691.2); short protein forms R1086W, R1112W.
Identifiers: ClinVar variation 408001 (VCV000408001.13), dbSNP rs963136799, ClinGen allele CA16616189.

ClinVar aggregate classification (germline): Conflicting classifications of pathogenicity. Review status: criteria provided, conflicting classifications (1 of 4 stars). 3 submissions from 3 submitters: Uncertain significance (2); Likely benign (1). Last evaluated 2026-01-27.

Conditions:
Hereditary cancer-predisposing syndrome. Also called: Neoplastic Syndromes, Hereditary; Hereditary neoplastic syndrome; Hereditary Cancer Syndrome; Tumor predisposition. Identifiers: Orphanet 140162, MedGen C0027672, MeSH D009386, MONDO:0015356.
POLD1-related polyposis and colorectal cancer syndrome (CRCS10). Also called: Colorectal cancer, susceptibility to, 10; Colorectal cancer 10; COLORECTAL CANCER, SUSCEPTIBILITY TO, ON CHROMOSOME 19q. Identifiers: Orphanet 220460, MedGen C2675481, MONDO:0012953, OMIM 612591.

Allele frequency attached by ClinVar (database versions not stated): gnomAD 0.00001; gnomAD exomes 0.00001 and 0.00004; TOPMed 0.00001.
gnomAD v4.1: 54 of 1,610,646 alleles (0.0034%); highest among the groups gnomAD compares: East Asian, 0.098%; no homozygotes.

Submissions (3):

Labcorp Genetics (formerly Invitae), Labcorp
Classification: Uncertain significance for POLD1-related polyposis and colorectal cancer syndrome. Last evaluated: 2026-01-27. Review status: criteria provided, single submitter. Criteria: Invitae Variant Classification Sherloc (09022015). Collection method: clinical testing. Allele origin: germline.
Comment: This sequence change replaces arginine, which is basic and polar, with tryptophan, which is neutral and slightly polar, at codon 1086 of the POLD1 protein (p.Arg1086Trp). The frequency data for this variant in the population databases is considered unreliable, as metrics indicate poor data quality at this position in the gnomAD database. This variant has not been reported in the literature in individuals affected with POLD1-related conditions. ClinVar contains an entry for this variant (Variation ID: 408001). Invitae Evidence Modeling of protein sequence and biophysical properties (such as structural, functional, and spatial information, amino acid conservation, physicochemical variation, residue mobility, and thermodynamic stability) indicates that this missense variant is not expected to disrupt POLD1 protein function with a negative predictive value of 80%. In summary, the available evidence is currently insufficient to determine the role of this variant in disease. Therefore, it has been classified as a Variant of Uncertain Significance.

Ambry Genetics
Classification: Likely benign for Hereditary cancer-predisposing syndrome. Last evaluated: 2024-12-26. Review status: criteria provided, single submitter. Criteria: Ambry Variant Classification Scheme 2023. Collection method: clinical testing. Allele origin: germline.

Sema4
Classification: Uncertain significance for Hereditary cancer-predisposing syndrome. Last evaluated: 2021-04-09. Review status: criteria provided, single submitter. Criteria: Sema4 Curation Guidelines. Collection method: curation. Allele origin: germline.
Comment: The POLD1 c.3256C>T (p.R1086W) variant has not been reported in the literature to our knowledge. It was observed in 2/124212 chromosomes of the Non-Finnish European subpopulation in the large and broad cohorts of the Genome Aggregation Database (PMID: 32461654). The variant has been reported in ClinVar (Variation ID: 408001). In silico tools suggest the impact of the variant on protein function is inconclusive, though these predictions have not been confirmed by functional studies. The evidence is insufficient to meet ACMG/AMP criteria for classifying the variant as benign or pathogenic. Thus, the clinical significance of this variant is currently uncertain.